The following is an entry in ClinVar:

ClinVar aggregate classification (germline): Uncertain significance (1 of 4 stars; one submission).

Conditions:
Inborn genetic diseases. Identifiers: MedGen C0950123, MeSH D030342.

Submission:

Ambry Genetics
Classification: Uncertain significance for Inborn genetic diseases. Last evaluated: 2025-08-11. Review status: criteria provided, single submitter. Criteria: Ambry Variant Classification Scheme 2023. Collection method: clinical testing. Allele origin: germline.
Comment: The p.D152V variant (also known as c.455A>T), located in coding exon 2 of the PIK3CA gene, results from an A to T substitution at nucleotide position 455. The aspartic acid at codon 152 is replaced by valine, an amino acid with highly dissimilar properties. This amino acid position is conserved. In addition, the in silico prediction for this alteration is inconclusive. Based on the available evidence, the clinical significance of this variant remains unclear.

NM_006218.4(PIK3CA):c.455A>T (p.Asp152Val)

Gene: PIK3CA (phosphatidylinositol-4,5-bisphosphate 3-kinase catalytic subunit alpha; plus strand). Cytogenetic location: 3q26.32.
Variant type: single nucleotide variant.
Coding change: c.455A>T on transcript NM_006218.4 (MANE Select); coding-DNA position 455, A replaced by T.
Protein change: p.Asp152Val; replaces aspartic acid 152 with valine.
Molecular consequence: missense variant.
Genome position (GRCh38, 1-based): chr3:179,199,792, A>T. VCF-style: chr3-179199792-A-T. GRCh37 (hg19) VCF-style: chr3-178917580-A-T.
Other names: short protein forms D152V.
Identifiers: ClinVar variation 4136802 (VCV004136802.1).
Genomic context (GRCh38, chr3:179,199,792, plus strand): 5'-AAGATCCAGAAGTACAGGACTTCCGAAGAAATATTCTGAACGTTTGTAAAGAAGCTGTGG[A>T]TCTTAGGGACCTCAATTCACCTCATAGTAGAGCAATGTATGTCTATCCTCCAAATGTAGA-3'
Protein context (NP_006209.2, residues 142-162): NILNVCKEAV[Asp152Val]LRDLNSPHSR